The following is an entry in ClinVar:

NM_003458.4(BSN):c.3001_3006delinsCCCTT (p.Ser1001fs)

Gene: BSN (bassoon presynaptic cytomatrix protein; plus strand). Cytogenetic location: 3p21.31.
Variant type: Indel.
Coding change: c.3001_3006delinsCCCTT on transcript NM_003458.4 (MANE Select); coding-DNA positions 3001 to 3006, TCCCTA replaced by CCCTT.
Protein change: p.Ser1001fs; shifts the reading frame from serine 1001.
Molecular consequence: frameshift variant.
Genome position (GRCh38, 1-based): chr3:49,652,557-49,652,562, TCCCTA replaced by CCCTT. VCF-style: chr3-49652557-TCCCTA-CCCTT. GRCh37 (hg19) VCF-style: chr3-49689990-TCCCTA-CCCTT.
Other names: short protein forms S1001fs.
Identifiers: ClinVar variation 3900327 (VCV003900327.1).

ClinVar aggregate classification (germline): Uncertain significance (1 of 4 stars; one submission).

Submission:

GeneDx
Classification: Uncertain significance. Last evaluated: 2024-04-02. Review status: criteria provided, single submitter. Criteria: GeneDx Variant Classification Process June 2021. Collection method: clinical testing. Allele origin: germline. Affected: yes.
Comment: Not observed at significant frequency in large population cohorts (gnomAD); Frameshift variant predicted to result in protein truncation or nonsense mediated decay in a gene or region of a gene for which loss of function is not a well-established mechanism of disease; Has not been previously published as pathogenic or benign to our knowledge; Variants in candidate genes are classified as variants of uncertain significance in accordance with ACMG guidelines (PMID: 25741868)